The following is an entry in ClinVar:

NM_002303.6(LEPR):c.667_668inv (p.Gln223Trp)

Gene: LEPR (leptin receptor; plus strand). Cytogenetic location: 1p31.3.
Variant type: Inversion.
Coding change: c.667_668inv on transcript NM_002303.6 (MANE Select).
Protein change: p.Gln223Trp; replaces glutamine 223 with tryptophan.
Molecular consequence: missense variant.
Genome position: GRCh38 VCF-style: chr1-65592829-CA-TG. GRCh37 (hg19) VCF-style: chr1-66058512-CA-TG.
Other names: c.667_668delinsTG (NM_002303.5); c.667_668inv, p.Gln223Trp (NM_001003679.3, NM_001003680.3, NM_001198687.2 and 2 more transcripts); short protein forms Q223W.
Identifiers: ClinVar variation 5002120 (VCV005002120.1).
Genomic context (GRCh38, chr1:65,592,829, plus strand): 5'-GCCAAACTCAACGACACTCTCCTTATGTGTTTGAAAATCACATCTGGTGGAGTAATTTTC[CA>TG]GTCACCTCTAATGTCAGTTCAGCCCATAAATATGGGTAAGTTATGCACTAAAATGATGAT-3'
Protein context (NP_002294.2, residues 213-233): LKITSGGVIF[Gln223Trp]SPLMSVQPIN

ClinVar aggregate classification (germline): Uncertain significance (1 of 4 stars; one submission).

Conditions:
LEPR-related disorder. Also called: LEPR-related disorders; LEPR-related condition.

Submission:

PreventionGenetics, part of Exact Sciences
Classification: Uncertain significance for LEPR-related condition. Last evaluated: 2025-07-05. Review status: criteria provided, single submitter. Criteria: ACMG Guidelines, 2015. Collection method: clinical testing. Allele origin: germline.
Comment: The LEPR c.667_668delinsTG variant is predicted to result in an in-frame deletion and insertion. To our knowledge, this variant has not been reported in the literature. This variant has been described as two individual variants in the gnomAD database (c.667C>T and c.668A>G), which are listed at a minor allele frequency of 0.0007% and 50.9%, respectively. At this time, the clinical significance of this variant is uncertain due to the absence of functional and genetic evidence.